The following is an entry in ClinVar:

NM_003982.4(SLC7A7):c.820dup (p.Tyr274fs)

Gene: SLC7A7 (solute carrier family 7 member 7; minus strand). Cytogenetic location: 14q11.2.
Variant type: Duplication.
Coding change: c.820dup on transcript NM_003982.4 (MANE Select); coding-DNA position 820, one base duplicated (T; older notation c.820dupT).
Protein change: p.Tyr274fs; shifts the reading frame from tyrosine 274.
Molecular consequence: frameshift variant.
Genome position (GRCh38, 1-based): chr14:22,776,269, A duplicated on the plus strand (T on the coding strand, the reverse complement: SLC7A7 is on the minus strand). VCF-style (leftmost placement, unchanged base first): chr14-22776268-T-TA. GRCh37 (hg19) VCF-style: chr14-23245477-T-TA.
Other names: c.820dupT (NM_001126105.2); c.820dup, p.Tyr274fs (NM_001126105.3, NM_001126106.4); short protein forms Y274fs.
Identifiers: ClinVar variation 56379 (VCV000056379.2), dbSNP rs386833826, ClinGen allele CA263852.

ClinVar aggregate classification (germline): Likely pathogenic (0 of 4 stars; one submission).

Conditions:
Lysinuric protein intolerance (LPI). Identifiers: Orphanet 470, MedGen C0268647, MONDO:0009109, OMIM 222700.

Submission:

Juha Muilu Group; Institute for Molecular Medicine Finland (FIMM)
Classification: Likely pathogenic for Lysinuric protein intolerance. Review status: no assertion criteria provided. Collection method: not provided. Allele origin: unknown.
Comment: FinDis database variant: This variant was not found or characterized by our laboratory, data were collected from public sources: see reference
ClinVar note: Converted during submission from probable-pathogenic to Likely pathogenic.